The following is an entry in ClinVar:

NM_000528.4(MAN2B1):c.7G>A (p.Ala3Thr)

Genes: MAN2B1 (mannosidase alpha class 2B member 1; minus strand), LOC130063650 (ATAC-STARR-seq lymphoblastoid silent region 10156; plus strand). Cytogenetic location: 19p13.13.
Variant type: single nucleotide variant.
Coding change: c.7G>A on transcript NM_000528.4 (MANE Select); coding-DNA position 7, G replaced by A.
Protein change: p.Ala3Thr; replaces alanine 3 with threonine.
Molecular consequence: missense variant.
Genome position (GRCh38, 1-based): chr19:12,666,695, C>T on the plus strand (G>A on the coding strand, the complement: MAN2B1 is on the minus strand). VCF-style: chr19-12666695-C-T. GRCh37 (hg19) VCF-style: chr19-12777509-C-T.
Other names: c.7G>A (NM_000528.3); c.7G>A, p.Ala3Thr (NM_001173498.2); short protein forms A3T.
Identifiers: ClinVar variation 2061916 (VCV002061916.4), dbSNP rs777024771, ClinGen allele CA305479296.

ClinVar aggregate classification (germline): Uncertain significance. Review status: criteria provided, multiple submitters, no conflicts (2 of 4 stars). 2 submissions from 2 submitters: Uncertain significance (2). Last evaluated 2025-03-22.

Conditions:
Deficiency of alpha-mannosidase (MANSA). Also called: Mannosidosis, alpha-, types I and II; LYSOSOMAL ALPHA-D-MANNOSIDASE DEFICIENCY; Alpha-Mannosidosis. Identifiers: Orphanet 61, MedGen C0024748, MONDO:0009561, OMIM 248500.
Inborn genetic diseases. Identifiers: MedGen C0950123, MeSH D030342.

Allele frequency attached by ClinVar (database versions not stated): gnomAD 0.00009.
gnomAD v4.1: 31 of 1,549,312 alleles (0.002%); highest among the groups gnomAD compares: African/African-American, 0.038%; no homozygotes.

Submissions (2):

Ambry Genetics
Classification: Uncertain significance for Inborn genetic diseases. Last evaluated: 2025-03-22. Review status: criteria provided, single submitter. Criteria: Ambry Variant Classification Scheme 2023. Collection method: clinical testing. Allele origin: germline.

Labcorp Genetics (formerly Invitae), Labcorp
Classification: Uncertain significance for Deficiency of alpha-mannosidase. Last evaluated: 2022-02-16. Review status: criteria provided, single submitter. Criteria: Invitae Variant Classification Sherloc (09022015). Collection method: clinical testing. Allele origin: germline.
Comment: This sequence change replaces alanine, which is neutral and non-polar, with threonine, which is neutral and polar, at codon 3 of the MAN2B1 protein (p.Ala3Thr). The frequency data for this variant in the population databases is considered unreliable, as metrics indicate poor data quality at this position in the gnomAD database. This variant has not been reported in the literature in individuals affected with MAN2B1-related conditions. Algorithms developed to predict the effect of missense changes on protein structure and function output the following: SIFT: "Tolerated"; PolyPhen-2: "Benign"; Align-GVGD: "Class C0". The threonine amino acid residue is found in multiple mammalian species, which suggests that this missense change does not adversely affect protein function. In summary, the available evidence is currently insufficient to determine the role of this variant in disease. Therefore, it has been classified as a Variant of Uncertain Significance.